The following is an entry in ClinVar:

NM_001396959.1(TBC1D1):c.2577C>T (p.Pro859=)

Gene: TBC1D1 (TBC1 domain family member 1; plus strand). Cytogenetic location: 4p14.
Variant type: single nucleotide variant.
Coding change: c.2577C>T on transcript NM_001396959.1 (MANE Select); coding-DNA position 2577, C replaced by T.
Protein change: p.Pro859=; no amino-acid change (proline 859 retained).
Molecular consequence: synonymous variant.
Genome position (GRCh38, 1-based): chr4:38,095,987, C>T. VCF-style: chr4-38095987-C-T. GRCh37 (hg19) VCF-style: chr4-38097608-C-T.
Other names: c.2577C>T, p.Pro859= (NM_001253912.2); c.2295C>T, p.Pro765= (NM_015173.4).
Identifiers: ClinVar variation 3048871 (VCV003048871.2), dbSNP rs145804193, ClinGen allele CA2888059.
Genomic context (GRCh38, chr4:38,095,987, plus strand): 5'-AGCCTCTGAAAATGATTTGCTGAACAAGCGCCTGAAGCTCGATTATGAAGAAATTACTCC[C>T]TGTCTTAAAGAAGTAACTACAGTGTGGGAAAAGATGCTTAGCACTCCAGGAAGATCAAAA-3'
Protein context (NP_001383888.1, residues 849-869): RLKLDYEEIT[Pro859=]CLKEVTTVWE

ClinVar aggregate classification (germline): Likely benign (0 of 4 stars; one submission).

Conditions:
TBC1D1-related disorder. Also called: TBC1D1-related condition.

Allele frequency attached by ClinVar (database versions not stated): ExAC 0.00005; gnomAD 0.00009; TOPMed 0.00012; ESP Exome Variant Server 0.00023.
gnomAD v4.1: 24 of 1,613,936 alleles (0.0015%); highest among the groups gnomAD compares: African/African-American, 0.032%; no homozygotes.

Submission:

PreventionGenetics, part of Exact Sciences
Classification: Likely benign for TBC1D1-related condition. Last evaluated: 2019-02-20. Review status: no assertion criteria provided. Collection method: clinical testing. Allele origin: germline.
Comment: This variant is classified as likely benign based on ACMG/AMP sequence variant interpretation guidelines (Richards et al. 2015 PMID: 25741868, with internal and published modifications).